The following is an entry in ClinVar:

ClinVar aggregate classification (germline): Uncertain significance (1 of 4 stars; one submission).

gnomAD v4.1: 46 of 1,611,354 alleles (0.0029%); highest among the groups gnomAD compares: African/African-American, 0.02%; no homozygotes.

Submission:

GeneDx
Classification: Uncertain significance. Last evaluated: 2024-04-01. Review status: criteria provided, single submitter. Criteria: GeneDx Variant Classification Process June 2021. Collection method: clinical testing. Allele origin: germline. Affected: yes.
Comment: In silico analysis supports that this missense variant has a deleterious effect on protein structure/function; Has not been previously published as pathogenic or benign to our knowledge

NM_001009944.3(PKD1):c.12412C>T (p.Arg4138Cys)

Gene: PKD1 (polycystin 1, transient receptor potential channel interacting; minus strand). Cytogenetic location: 16p13.3.
Variant type: single nucleotide variant.
Coding change: c.12412C>T on transcript NM_001009944.3 (MANE Select); coding-DNA position 12412, C replaced by T.
Protein change: p.Arg4138Cys; replaces arginine 4138 with cysteine.
Molecular consequence: missense variant.
Genome position (GRCh38, 1-based): chr16:2,090,317, G>A on the plus strand (C>T on the coding strand, the complement: PKD1 is on the minus strand). VCF-style: chr16-2090317-G-A. GRCh37 (hg19) VCF-style: chr16-2140318-G-A.
Other names: c.12409C>T, p.Arg4137Cys (NM_000296.4); short protein forms R4137C, R4138C.
Identifiers: ClinVar variation 3371418 (VCV003371418.1).
Genomic context (GRCh38, chr16:2,090,317, plus strand): 5'-CCTCTCCCCCCCACTGGGCCGTACCCACCTCCTTGACCTTGCTGAGGCCCATCCAGAGGC[G>A]CAGCCTGCGCAGGAACAACTCCACCATCTCGTAGTCCTGGGGCTCCCAGGCCGGCCGGTA-3'
Protein context (NP_001009944.3, residues 4128-4148): EMVELFLRRL[Arg4138Cys]LWMGLSKVKE